The following is an entry in ClinVar:

NM_001291303.3(FAT4):c.11381G>A (p.Arg3794Gln)

Gene: FAT4 (FAT atypical cadherin 4; plus strand). Cytogenetic location: 4q28.1.
Variant type: single nucleotide variant.
Coding change: c.11381G>A on transcript NM_001291303.3 (MANE Select); coding-DNA position 11381, G replaced by A.
Protein change: p.Arg3794Gln; replaces arginine 3794 with glutamine.
Molecular consequence: missense variant.
Genome position (GRCh38, 1-based): chr4:125,452,391, G>A. VCF-style: chr4-125452391-G-A. GRCh37 (hg19) VCF-style: chr4-126373546-G-A.
Other names: c.11381G>A, p.Arg3794Gln (NM_001291285.3); c.11375G>A, p.Arg3792Gln (NM_024582.6); c.11375G>A (NM_024582.5); short protein forms R3792Q, R3794Q.
Identifiers: ClinVar variation 3590080 (VCV003590080.2).

ClinVar aggregate classification (germline): Uncertain significance. Review status: criteria provided, multiple submitters, no conflicts (2 of 4 stars). 2 submissions from 2 submitters: Uncertain significance (2). Last evaluated 2025-11-20.

Conditions:
Van Maldergem syndrome 2 (VMLDS2). Identifiers: Orphanet 314679, MedGen C3809875, MONDO:0014242, OMIM 615546.
Hennekam lymphangiectasia-lymphedema syndrome 2 (HKLLS2). Identifiers: Orphanet 2136, MedGen C4014939, MONDO:0014454, OMIM 616006.

gnomAD v4.1: 13 of 1,614,024 alleles (0.00081%); highest among the groups gnomAD compares: East Asian, 0.0045%; no homozygotes.

Submissions (2):

Labcorp Genetics (formerly Invitae), Labcorp
Classification: Uncertain significance. Last evaluated: 2025-11-20. Review status: criteria provided, single submitter. Criteria: Invitae Variant Classification Sherloc (09022015). Collection method: clinical testing. Allele origin: germline.
Comment: This sequence change replaces arginine, which is basic and polar, with glutamine, which is neutral and polar, at codon 3792 of the FAT4 protein (p.Arg3792Gln). This variant is present in population databases (rs750610263, gnomAD 0.003%). This variant has not been reported in the literature in individuals affected with FAT4-related conditions. ClinVar contains an entry for this variant (Variation ID: 3590080). Invitae Evidence Modeling of protein sequence and biophysical properties (such as structural, functional, and spatial information, amino acid conservation, physicochemical variation, residue mobility, and thermodynamic stability) indicates that this missense variant is not expected to disrupt FAT4 protein function with a negative predictive value of 95%. In summary, the available evidence is currently insufficient to determine the role of this variant in disease. Therefore, it has been classified as a Variant of Uncertain Significance.

Fulgent Genetics
Classification: Uncertain significance for Van Maldergem syndrome 2; Hennekam lymphangiectasia-lymphedema syndrome 2. Last evaluated: 2024-02-25. Review status: criteria provided, single submitter. Criteria: ACMG Guidelines, 2015. Collection method: clinical testing. Allele origin: germline.